The following is an entry in ClinVar:

NM_033004.4(NLRP1):c.4067T>C (p.Met1356Thr)

Gene: NLRP1 (NLR family pyrin domain containing 1; minus strand). Cytogenetic location: 17p13.2.
Variant type: single nucleotide variant.
Coding change: c.4067T>C on transcript NM_033004.4 (MANE Select); coding-DNA position 4067, T replaced by C.
Protein change: p.Met1356Thr; replaces methionine 1356 with threonine.
Molecular consequence: missense variant. On other transcripts: intron variant (1).
Genome position (GRCh38, 1-based): chr17:5,515,508, A>G on the plus strand (T>C on the coding strand, the complement: NLRP1 is on the minus strand). VCF-style: chr17-5515508-A-G. GRCh37 (hg19) VCF-style: chr17-5418828-A-G.
Other names: c.3977T>C, p.Met1326Thr (NM_033006.4); c.3845T>C, p.Met1282Thr (NM_033007.4); c.4069+2238T>C (NM_001033053.3); c.3935T>C, p.Met1312Thr (NM_014922.5); short protein forms M1282T, M1356T, M1312T, M1326T.
Identifiers: ClinVar variation 4762619 (VCV004762619.1).

ClinVar aggregate classification (germline): Uncertain significance (1 of 4 stars; one submission).

Submission:

Labcorp Genetics (formerly Invitae), Labcorp
Classification: Uncertain significance. Last evaluated: 2025-12-24. Review status: criteria provided, single submitter. Criteria: Invitae Variant Classification Sherloc (09022015). Collection method: clinical testing. Allele origin: germline.
Comment: This sequence change replaces methionine, which is neutral and non-polar, with threonine, which is neutral and polar, at codon 1356 of the NLRP1 protein (p.Met1356Thr). This variant is not present in population databases (gnomAD no frequency). This variant has not been reported in the literature in individuals affected with NLRP1-related conditions. An algorithm developed to predict the effect of missense changes on protein structure and function outputs the following: PolyPhen-2: "Benign". The threonine amino acid residue is found in multiple mammalian species, which suggests that this missense change does not adversely affect protein function. In summary, the available evidence is currently insufficient to determine the role of this variant in disease. Therefore, it has been classified as a Variant of Uncertain Significance.